The following is an entry in ClinVar:

ClinVar aggregate classification (germline): Conflicting classifications of pathogenicity. Review status: criteria provided, conflicting classifications (1 of 4 stars). 2 submissions from 2 submitters: Uncertain significance (1); Likely benign (1). Last evaluated 2026-01-08.

Conditions:
Hereditary breast ovarian cancer syndrome. Also called: Hereditary breast and ovarian cancer syndrome (HBOC); BRCA1- and BRCA2-Associated Hereditary Breast and Ovarian Cancer; Hereditary breast and ovarian cancer syndrome; Breast and ovarian cancer; Hereditary breast and ovarian cancer; Hereditary breast and/or ovarian cancer syndrome. Identifiers: Orphanet 145, MedGen C0677776, MeSH D061325, MONDO:0003582. Disease mechanism: loss of function.

gnomAD v4.1: 1 of 1,608,260 alleles (0.000062%); no homozygotes.

Submissions (2):

Labcorp Genetics (formerly Invitae), Labcorp
Classification: Likely benign for Hereditary breast ovarian cancer syndrome. Last evaluated: 2026-01-08. Review status: criteria provided, single submitter. Criteria: Invitae Variant Classification Sherloc (09022015). Collection method: clinical testing. Allele origin: germline.

Quest Diagnostics Nichols Institute San Juan Capistrano
Classification: Uncertain significance. Last evaluated: 2023-05-30. Review status: criteria provided, single submitter. Criteria: Quest Diagnostics criteria. Collection method: clinical testing. Allele origin: unknown.
Comment: To the best of our knowledge, this variant has not been reported in the published literature. It also has not been reported in large, multi-ethnic general populations (Genome Aggregation Database). Analysis of this variant using software algorithms for the prediction of the effect of nucleotide changes on splicing yielded predictions that this variant does not affect BRCA1 mRNA splicing . Based on the available information, we are unable to determine the clinical significance of this variant.

NM_007294.4(BRCA1):c.302-8T>C

Gene: BRCA1 (BRCA1 DNA repair associated; minus strand). Cytogenetic location: 17q21.31.
Variant type: single nucleotide variant.
Coding change: c.302-8T>C on transcript NM_007294.4 (MANE Select); 8 bases into the intron before coding-DNA position 302, T replaced by C.
Molecular consequence: intron variant.
Genome position (GRCh38, 1-based): chr17:43,104,269, A>G on the plus strand (T>C on the coding strand, the complement: BRCA1 is on the minus strand). VCF-style: chr17-43104269-A-G. GRCh37 (hg19) VCF-style: chr17-41256286-A-G.
Other names: c.302-8T>C (NM_001407623.1, NM_001407605.1, NM_001407941.1 and 164 more transcripts); c.92-8T>C (NM_001407902.1, NM_001408485.1, NM_001407908.1 and 58 more transcripts); c.224-8T>C (NM_001408414.1, NM_001408411.1, NM_001407655.1 and 21 more transcripts); c.161-8T>C (NM_001407724.1, NM_001407697.1, NM_001407838.1 and 99 more transcripts); c.-218-9409T>C (NM_001407967.1, NM_001407966.1); c.-80-8T>C (NM_001407959.1, NM_001407962.1, NM_001408512.1 and 4 more transcripts); c.170-8T>C (NM_001408451.1); c.293-8T>C (NM_001408408.1, NM_001407647.1, NM_001407646.1).
Identifiers: ClinVar variation 531505 (VCV000531505.14), dbSNP rs878854942, ClinGen allele CA658798835.